The following is an entry in ClinVar:

ClinVar aggregate classification (germline): Conflicting classifications of pathogenicity. Review status: criteria provided, conflicting classifications (1 of 4 stars). 3 submissions from 3 submitters: Uncertain significance (1); Benign (1); Likely benign (1). Last evaluated 2026-01-20.

Conditions:
EYS-related disorder. Also called: EYS-related condition.
Retinitis pigmentosa (RP). Identifiers: Orphanet 791, MedGen C0035334, MeSH D012174, MONDO:0019200, OMIM 268000. Inheritance: Autosomal dominant, autosomal recessive and X linked inheritance.

Allele frequency attached by ClinVar (database versions not stated): TOPMed 0.00005; 1000 Genomes Project 30x 0.00016; gnomAD 0.00057.
gnomAD v4.1: 48 of 152,190 alleles (0.032%); highest among the groups gnomAD compares: Non-Finnish European, 0.0088%; 1 homozygote.

Submissions (3):

Labcorp Genetics (formerly Invitae), Labcorp
Classification: Benign. Last evaluated: 2026-01-20. Review status: criteria provided, single submitter. Criteria: Invitae Variant Classification Sherloc (09022015). Collection method: clinical testing. Allele origin: germline.

PreventionGenetics, part of Exact Sciences
Classification: Likely benign for EYS-related condition. Last evaluated: 2025-03-27. Review status: criteria provided, single submitter. Criteria: ACMG Guidelines, 2015. Collection method: clinical testing. Allele origin: germline.
Comment: This variant is classified as likely benign based on ACMG/AMP sequence variant interpretation guidelines (Richards et al. 2015 PMID: 25741868, with internal and published modifications).

Illumina Laboratory Services, Illumina
Classification: Uncertain significance for Retinitis pigmentosa. Last evaluated: 2018-01-13. Review status: criteria provided, single submitter. Criteria: ICSL Variant Classification Criteria 13 December 2019. Collection method: clinical testing. Allele origin: germline.

NM_001142800.2(EYS):c.-521C>T

Gene: EYS (EGF-like photoreceptor maintenance factor; minus strand). Cytogenetic location: 6q12.
Variant type: single nucleotide variant.
Coding change: c.-521C>T on transcript NM_001142800.2 (MANE Select); 521 bases upstream of the start codon, C replaced by T.
Molecular consequence: 5 prime UTR variant.
Genome position (GRCh38, 1-based): chr6:65,707,208, G>A on the plus strand (C>T on the coding strand, the complement: EYS is on the minus strand). VCF-style: chr6-65707208-G-A. GRCh37 (hg19) VCF-style: chr6-66417101-G-A.
Other names: c.-521C>T (NM_001142801.2, NM_001292009.2).
Identifiers: ClinVar variation 357763 (VCV000357763.13), dbSNP rs769167992, ClinGen allele CA10627447.